The following is an entry in ClinVar:

NM_006302.3(MOGS):c.2122C>T (p.Arg708Cys)

Gene: MOGS (mannosyl-oligosaccharide glucosidase; minus strand). Cytogenetic location: 2p13.1.
Variant type: single nucleotide variant.
Coding change: c.2122C>T on transcript NM_006302.3 (MANE Select); coding-DNA position 2122, C replaced by T.
Protein change: p.Arg708Cys; replaces arginine 708 with cysteine.
Molecular consequence: missense variant.
Genome position (GRCh38, 1-based): chr2:74,461,667, G>A on the plus strand (C>T on the coding strand, the complement: MOGS is on the minus strand). VCF-style: chr2-74461667-G-A. GRCh37 (hg19) VCF-style: chr2-74688794-G-A.
Other names: c.1804C>T, p.Arg602Cys (NM_001146158.2); short protein forms R708C, R602C.
Identifiers: ClinVar variation 1979856 (VCV001979856.1), dbSNP rs890229570, ClinGen allele CA50475300.

ClinVar aggregate classification (germline): Uncertain significance (1 of 4 stars; one submission).

Conditions:
MOGS-congenital disorder of glycosylation. Also called: CDG IIb; GLUCOSIDASE I DEFICIENCY; CDG 2B; MOGS-CDG. Identifiers: Orphanet 79330, MedGen C1853736, MONDO:0011629, OMIM 606056.

Allele frequency attached by ClinVar (database versions not stated): gnomAD 0.00003; TOPMed 0.00003; gnomAD exomes 0.00005.
gnomAD v4.1: 84 of 1,614,090 alleles (0.0052%); highest among the groups gnomAD compares: Non-Finnish European, 0.0069%; 1 homozygote.

Submission:

Labcorp Genetics (formerly Invitae), Labcorp
Classification: Uncertain significance for MOGS-congenital disorder of glycosylation. Last evaluated: 2022-09-17. Review status: criteria provided, single submitter. Criteria: Invitae Variant Classification Sherloc (09022015). Collection method: clinical testing. Allele origin: germline.
Comment: This sequence change replaces arginine, which is basic and polar, with cysteine, which is neutral and slightly polar, at codon 708 of the MOGS protein (p.Arg708Cys). This variant is present in population databases (no rsID available, gnomAD 0.002%). This variant has not been reported in the literature in individuals affected with MOGS-related conditions. Advanced modeling of protein sequence and biophysical properties (such as structural, functional, and spatial information, amino acid conservation, physicochemical variation, residue mobility, and thermodynamic stability) has been performed at Invitae for this missense variant, however the output from this modeling did not meet the statistical confidence thresholds required to predict the impact of this variant on MOGS protein function. In summary, the available evidence is currently insufficient to determine the role of this variant in disease. Therefore, it has been classified as a Variant of Uncertain Significance.